The following is an entry in ClinVar:

NM_024757.5(EHMT1):c.3795_3797delinsA (p.His1265fs)

Gene: EHMT1 (euchromatic histone lysine methyltransferase 1; plus strand). Cytogenetic location: 9q34.3.
Variant type: Indel.
Coding change: c.3795_3797delinsA on transcript NM_024757.5 (MANE Select); coding-DNA positions 3795 to 3797, CTC replaced by A.
Protein change: p.His1265fs; shifts the reading frame from histidine 1265.
Molecular consequence: frameshift variant.
Genome position (GRCh38, 1-based): chr9:137,834,851-137,834,853, CTC replaced by A. VCF-style: chr9-137834851-CTC-A. GRCh37 (hg19) VCF-style: chr9-140729303-CTC-A.
Other names: c.3774_3776delinsA, p.His1258fs (NM_001354263.2); short protein forms H1258fs, H1265fs.
Identifiers: ClinVar variation 4528207 (VCV004528207.1).

ClinVar aggregate classification (germline): Uncertain significance (1 of 4 stars; one submission).

Submission:

GeneDx
Classification: Uncertain significance. Last evaluated: 2025-05-09. Review status: criteria provided, single submitter. Criteria: GeneDx Variant Classification Process June 2021. Collection method: clinical testing. Allele origin: germline. Affected: yes.
Comment: Frameshift variant predicted to result in abnormal protein length as the last 34 amino acid(s) are replaced with 52 different amino acid(s); Not observed at significant frequency in large population cohorts (gnomAD); Has not been previously published as pathogenic or benign to our knowledge